The following is an entry in ClinVar:

ClinVar aggregate classification (germline): Uncertain significance (1 of 4 stars; one submission).

Submission:

Labcorp Genetics (formerly Invitae), Labcorp
Classification: Uncertain significance. Last evaluated: 2022-09-27. Review status: criteria provided, single submitter. Criteria: Invitae Variant Classification Sherloc (09022015). Collection method: clinical testing. Allele origin: germline.
Comment: In summary, the available evidence is currently insufficient to determine the role of this variant in disease. Therefore, it has been classified as a Variant of Uncertain Significance. Algorithms developed to predict the effect of missense changes on protein structure and function (SIFT, PolyPhen-2, Align-GVGD) all suggest that this variant is likely to be tolerated. This variant has not been reported in the literature in individuals affected with ADGRE2-related conditions. This variant is not present in population databases (gnomAD no frequency). This sequence change replaces aspartic acid, which is acidic and polar, with glutamic acid, which is acidic and polar, at codon 396 of the ADGRE2 protein (p.Asp396Glu).

NM_013447.4(ADGRE2):c.1188C>A (p.Asp396Glu)

Gene: ADGRE2 (adhesion G protein-coupled receptor E2; minus strand). Cytogenetic location: 19p13.12.
Variant type: single nucleotide variant.
Coding change: c.1188C>A on transcript NM_013447.4 (MANE Select); coding-DNA position 1188, C replaced by A.
Protein change: p.Asp396Glu; replaces aspartic acid 396 with glutamic acid.
Molecular consequence: missense variant.
Genome position (GRCh38, 1-based): chr19:14,756,242, G>T on the plus strand (C>A on the coding strand, the complement: ADGRE2 is on the minus strand). VCF-style: chr19-14756242-G-T. GRCh37 (hg19) VCF-style: chr19-14867054-G-T.
Other names: c.1188C>A, p.Asp396Glu (NM_001271052.1); c.1041C>A, p.Asp347Glu (NM_152916.2); c.909C>A, p.Asp303Glu (NM_152917.2); short protein forms D347E, D303E, D396E.
Identifiers: ClinVar variation 2095662 (VCV002095662.4), dbSNP rs2513107921, ClinGen allele CA404455910.